The following is an entry in ClinVar:

ClinVar aggregate classification (germline): Likely benign (1 of 4 stars; one submission).

Submission:

CeGaT Center for Human Genetics Tuebingen
Classification: Likely benign. Last evaluated: 2024-10-01. Review status: criteria provided, single submitter. Criteria: CeGaT Center For Human Genetics Tuebingen Variant Classification Criteria Version 2. Collection method: clinical testing. Allele origin: germline. Affected: yes. Observed: 1 variant allele.
Comment: ATP10A: BS2

NM_024490.4(ATP10A):c.3162G>A (p.Met1054Ile)

Gene: ATP10A (ATPase phospholipid transporting 10A (putative); minus strand). Cytogenetic location: 15q12.
Variant type: single nucleotide variant.
Coding change: c.3162G>A on transcript NM_024490.4 (MANE Select); coding-DNA position 3162, G replaced by A.
Protein change: p.Met1054Ile; replaces methionine 1054 with isoleucine.
Molecular consequence: missense variant.
Genome position (GRCh38, 1-based): chr15:25,691,718, C>T on the plus strand (G>A on the coding strand, the complement: ATP10A is on the minus strand). VCF-style: chr15-25691718-C-T. GRCh37 (hg19) VCF-style: chr15-25936865-C-T.
Other names: short protein forms M1054I.
Identifiers: ClinVar variation 3388389 (VCV003388389.14).